The following is an entry in ClinVar:

NM_033409.4(SLC52A3):c.951G>A (p.Met317Ile)

Gene: SLC52A3 (solute carrier family 52 member 3; minus strand). Cytogenetic location: 20p13.
Variant type: single nucleotide variant.
Coding change: c.951G>A on transcript NM_033409.4 (MANE Select); coding-DNA position 951, G replaced by A.
Protein change: p.Met317Ile; replaces methionine 317 with isoleucine.
Molecular consequence: missense variant.
Genome position (GRCh38, 1-based): chr20:763,620, C>T on the plus strand (G>A on the coding strand, the complement: SLC52A3 is on the minus strand). VCF-style: chr20-763620-C-T. GRCh37 (hg19) VCF-style: chr20-744264-C-T.
Other names: c.951G>A, p.Met317Ile (NM_001370085.1, NM_001370086.1); c.951G>A (NM_033409.3); short protein forms M317I.
Identifiers: ClinVar variation 929978 (VCV000929978.8), dbSNP rs1027231153, ClinGen allele CA310677077.

ClinVar aggregate classification (germline): Conflicting classifications of pathogenicity. Review status: criteria provided, conflicting classifications (1 of 4 stars). 3 submissions from 3 submitters: Uncertain significance (2); Likely benign (1). Last evaluated 2022-09-06.

Conditions:
Inborn genetic diseases. Identifiers: MedGen C0950123, MeSH D030342.
Brown-Vialetto-van Laere syndrome 1. Also called: BROWN-VIALETTO-VAN LAERE SYNDROME 1, MILD; BULBAR PALSY, PROGRESSIVE, WITH SENSORINEURAL DEAFNESS; PONTOBULBAR PALSY WITH DEAFNESS. Identifiers: Orphanet 572550, Orphanet 97229, MedGen C0796274, MONDO:0024537, OMIM 211530.

Allele frequency attached by ClinVar (database versions not stated): gnomAD 0.00001.

Submissions (3):

Ambry Genetics
Classification: Uncertain significance for Inborn genetic diseases. Last evaluated: 2022-09-06. Review status: criteria provided, single submitter. Criteria: Ambry Variant Classification Scheme 2023. Collection method: clinical testing. Allele origin: germline.

Labcorp Genetics (formerly Invitae), Labcorp
Classification: Uncertain significance for Brown-Vialetto-van Laere syndrome 1. Last evaluated: 2021-08-15. Review status: criteria provided, single submitter. Criteria: Invitae Variant Classification Sherloc (09022015). Collection method: clinical testing. Allele origin: germline.
Comment: This sequence change replaces methionine with isoleucine at codon 317 of the SLC52A3 protein (p.Met317Ile). The methionine residue is weakly conserved and there is a small physicochemical difference between methionine and isoleucine. This variant is not present in population databases (ExAC no frequency). This variant has not been reported in the literature in individuals affected with SLC52A3-related conditions. ClinVar contains an entry for this variant (Variation ID: 929978). Algorithms developed to predict the effect of missense changes on protein structure and function output the following: SIFT: "Tolerated"; PolyPhen-2: "Benign"; Align-GVGD: "Class C0". The isoleucine amino acid residue is found in multiple mammalian species, which suggests that this missense change does not adversely affect protein function. In summary, the available evidence is currently insufficient to determine the role of this variant in disease. Therefore, it has been classified as a Variant of Uncertain Significance.

Laboratory for Molecular Medicine, Mass General Brigham Personalized Medicine
Classification: Likely benign. Last evaluated: 2019-04-26. Review status: criteria provided, single submitter. Criteria: LMM Criteria. Collection method: clinical testing. Allele origin: germline. Observed: 1 variant allele.
Comment: The p.Met317Ile variant in SLC52A3 is classified as likely benign due to a lack of conservation across species. Three mammals (opossum, Tasmanian devil, wallaby) carry an isoleucine (Ile) at this position despite high nearby amino acid conservation. ACMG/AMP Criteria applied: BP4_Strong.